The following is an entry in ClinVar:

NM_003737.4(DCHS1):c.8554C>T (p.Leu2852Phe)

Gene: DCHS1 (dachsous cadherin-related 1; minus strand). Cytogenetic location: 11p15.4.
Variant type: single nucleotide variant.
Coding change: c.8554C>T on transcript NM_003737.4 (MANE Select); coding-DNA position 8554, C replaced by T.
Protein change: p.Leu2852Phe; replaces leucine 2852 with phenylalanine.
Molecular consequence: missense variant.
Genome position (GRCh38, 1-based): chr11:6,623,122, G>A on the plus strand (C>T on the coding strand, the complement: DCHS1 is on the minus strand). VCF-style: chr11-6623122-G-A. GRCh37 (hg19) VCF-style: chr11-6644353-G-A.
Other names: short protein forms L2852F.
Identifiers: ClinVar variation 2876102 (VCV002876102.3), dbSNP rs139981407, ClinGen allele CA5859398.

ClinVar aggregate classification (germline): Uncertain significance (1 of 4 stars; one submission).

Allele frequency attached by ClinVar (database versions not stated): TOPMed below 0.00001; ExAC 0.00001.

Submission:

Labcorp Genetics (formerly Invitae), Labcorp
Classification: Uncertain significance. Last evaluated: 2023-10-23. Review status: criteria provided, single submitter. Criteria: Invitae Variant Classification Sherloc (09022015). Collection method: clinical testing. Allele origin: germline.
Comment: This sequence change replaces leucine, which is neutral and non-polar, with phenylalanine, which is neutral and non-polar, at codon 2852 of the DCHS1 protein (p.Leu2852Phe). The frequency data for this variant in the population databases is considered unreliable, as metrics indicate poor data quality at this position in the gnomAD database. This variant has not been reported in the literature in individuals affected with DCHS1-related conditions. Advanced modeling of protein sequence and biophysical properties (such as structural, functional, and spatial information, amino acid conservation, physicochemical variation, residue mobility, and thermodynamic stability) has been performed at Invitae for this missense variant, however the output from this modeling did not meet the statistical confidence thresholds required to predict the impact of this variant on DCHS1 protein function. In summary, the available evidence is currently insufficient to determine the role of this variant in disease. Therefore, it has been classified as a Variant of Uncertain Significance.